The following is an entry in ClinVar:

ClinVar aggregate classification (germline): Uncertain significance (1 of 4 stars; one submission).

Conditions:
Combined malonic and methylmalonic acidemia. Identifiers: Orphanet 289504, MedGen C3280314, MONDO:0013661, OMIM 614265.

gnomAD v4.1: 2 of 1,613,738 alleles (0.00012%); highest among the groups gnomAD compares: Admixed American, 0.0033%; no homozygotes.

Submission:

Labcorp Genetics (formerly Invitae), Labcorp
Classification: Uncertain significance for Combined malonic and methylmalonic acidemia. Last evaluated: 2022-08-03. Review status: criteria provided, single submitter. Criteria: Invitae Variant Classification Sherloc (09022015). Collection method: clinical testing. Allele origin: germline.
Comment: This sequence change replaces alanine, which is neutral and non-polar, with glutamic acid, which is acidic and polar, at codon 253 of the ACSF3 protein (p.Ala253Glu). This variant is present in population databases (no rsID available, gnomAD 0.006%). This variant has not been reported in the literature in individuals affected with ACSF3-related conditions. Advanced modeling of protein sequence and biophysical properties (such as structural, functional, and spatial information, amino acid conservation, physicochemical variation, residue mobility, and thermodynamic stability) performed at Invitae indicates that this missense variant is expected to disrupt ACSF3 protein function. In summary, the available evidence is currently insufficient to determine the role of this variant in disease. Therefore, it has been classified as a Variant of Uncertain Significance.

NM_001243279.3(ACSF3):c.758C>A (p.Ala253Glu)

Gene: ACSF3 (acyl-CoA synthetase family member 3; plus strand). Cytogenetic location: 16q24.3.
Variant type: single nucleotide variant.
Coding change: c.758C>A on transcript NM_001243279.3 (MANE Select); coding-DNA position 758, C replaced by A.
Protein change: p.Ala253Glu; replaces alanine 253 with glutamic acid.
Molecular consequence: missense variant. On other transcripts: 5 prime UTR variant (1), non-coding transcript variant (3).
Genome position (GRCh38, 1-based): chr16:89,102,695, C>A. VCF-style: chr16-89102695-C-A. GRCh37 (hg19) VCF-style: chr16-89169103-C-A.
Other names: c.758C>A, p.Ala253Glu (NM_001127214.4, NM_174917.5); c.-38C>A (NM_001284316.2); short protein forms A253E.
Identifiers: ClinVar variation 1971106 (VCV001971106.2), dbSNP rs762286480, ClinGen allele CA397137916.
Genomic context (GRCh38, chr16:89,102,695, plus strand): 5'-CCAAAGACGACGTGATCCTCCACGTGCTCCCGCTGCACCACGTCCATGGTGTGGTCAACG[C>A]GCTGCTCTGTCCTCTCTGGGTGGGAGCCACCTGTGTGATGATGCCTGAGTTCAGCCCTCA-3'
Protein context (NP_001230208.1, residues 243-263): PLHHVHGVVN[Ala253Glu]LLCPLWVGAT